The following is an entry in ClinVar:

NM_033337.3(CAV3):c.-33G>T

Gene: CAV3 (caveolin 3; plus strand). Cytogenetic location: 3p25.3.
Variant type: single nucleotide variant.
Coding change: c.-33G>T on transcript NM_033337.3 (MANE Select); 33 bases upstream of the start codon, G replaced by T.
Molecular consequence: 5 prime UTR variant.
Genome position (GRCh38, 1-based): chr3:8,733,844, G>T. VCF-style: chr3-8733844-G-T. GRCh37 (hg19) VCF-style: chr3-8775530-G-T.
Other names: c.-33G>T (NM_001234.5).
Identifiers: ClinVar variation 180795 (VCV000180795.6), dbSNP rs72546666, ClinGen allele CA295934.

ClinVar aggregate classification (germline): Benign. Review status: criteria provided, multiple submitters, no conflicts (2 of 4 stars). 2 submissions from 2 submitters: Benign (2). Last evaluated 2018-01-12.

Conditions:
Caveolinopathy. Identifiers: Orphanet 207078, MedGen C5679790, MONDO:0016146.

Allele frequency attached by ClinVar (database versions not stated): TOPMed 0.00080; 1000 Genomes Project 30x 0.00265; 1000 Genomes Project 0.00319.
gnomAD v4.1: 540 of 1,372,802 alleles (0.039%); highest among the groups gnomAD compares: East Asian, 1.2%; 2 homozygotes.

Submissions (2):

Illumina Laboratory Services, Illumina
Classification: Benign for Caveolinopathy. Last evaluated: 2018-01-12. Review status: criteria provided, single submitter. Criteria: ICSL Variant Classification Criteria 13 December 2019. Collection method: clinical testing. Allele origin: germline.
Comment: This variant was observed in the ICSL laboratory as part of a predisposition screen in an ostensibly healthy population. It had not been previously curated by ICSL or reported in the Human Gene Mutation Database (HGMD: prior to June 1st, 2018), and was therefore a candidate for classification through an automated scoring system. Utilizing variant allele frequency, disease prevalence and penetrance estimates, and inheritance mode, an automated score was calculated to assess if this variant is too frequent to cause the disease. Based on the score and internal cut-off values, a variant classified as benign is not then subjected to further curation. The score for this variant resulted in a classification of benign for this disease.

GeneDx
Classification: Benign. Last evaluated: 2014-07-15. Review status: criteria provided, single submitter. Criteria: GeneDx Variant Classification (06012015). Collection method: clinical testing. Allele origin: germline. Affected: yes.
Comment: This variant is considered likely benign or benign based on one or more of the following criteria: it is a conservative change, it occurs at a poorly conserved position in the protein, it is predicted to be benign by multiple in silico algorithms, and/or has population frequency not consistent with disease.